The following is an entry in ClinVar:

ClinVar aggregate classification (germline): Uncertain significance (1 of 4 stars; one submission).

Conditions:
Charcot-Marie-Tooth disease type 4. Also called: Charcot-Marie-Tooth, Type 4; Charcot-Marie-Tooth disease, type IV. Identifiers: Orphanet 64749, MedGen C4082197, MONDO:0018995.

Submission:

Labcorp Genetics (formerly Invitae), Labcorp
Classification: Uncertain significance for Charcot-Marie-Tooth disease type 4. Last evaluated: 2025-08-14. Review status: criteria provided, single submitter. Criteria: Invitae Variant Classification Sherloc (09022015). Collection method: clinical testing. Allele origin: germline.
Comment: This sequence change replaces isoleucine, which is neutral and non-polar, with methionine, which is neutral and non-polar, at codon 844 of the SBF2 protein (p.Ile844Met). This variant is not present in population databases (gnomAD no frequency). This variant has not been reported in the literature in individuals affected with SBF2-related conditions. Invitae Evidence Modeling of protein sequence and biophysical properties (such as structural, functional, and spatial information, amino acid conservation, physicochemical variation, residue mobility, and thermodynamic stability) indicates that this missense variant is not expected to disrupt SBF2 protein function with a negative predictive value of 80%. In summary, the available evidence is currently insufficient to determine the role of this variant in disease. Therefore, it has been classified as a Variant of Uncertain Significance.

NM_030962.4(SBF2):c.2532A>G (p.Ile844Met)

Genes: SBF2 (SET binding factor 2; minus strand), LOC101928008 (uncharacterized LOC101928008; plus strand). Cytogenetic location: 11p15.4.
Variant type: single nucleotide variant.
Coding change: c.2532A>G on transcript NM_030962.4 (MANE Select); coding-DNA position 2532, A replaced by G.
Protein change: p.Ile844Met; replaces isoleucine 844 with methionine.
Molecular consequence: missense variant.
Genome position (GRCh38, 1-based): chr11:9,853,544, T>C on the plus strand (A>G on the coding strand, the complement: SBF2 is on the minus strand). VCF-style: chr11-9853544-T-C. GRCh37 (hg19) VCF-style: chr11-9875091-T-C.
Other names: c.2532A>G, p.Ile844Met (NM_001386339.1); c.2403A>G, p.Ile801Met (NM_001386342.1); c.2568A>G, p.Ile856Met (NM_001424318.1, NM_001425069.1, NM_001425070.1); short protein forms I801M, I844M, I856M.
Identifiers: ClinVar variation 4705895 (VCV004705895.1).
Genomic context (GRCh38, chr11:9,853,544, plus strand): 5'-GCTGAAACTCAATAATCTCCAATATTCTGATTCTCTAATATCTGCAGAGTGATTACCTGG[T>C]ATCATGCAATGAAGGCTCTTGATGTGATCCTGAGTAACTCCACTCTCTGTACAAACTTTG-3'
Protein context (NP_112224.1, residues 834-854): QDHIKSLHCM[Ile844Met]PGIVAMHIET